The following is an entry in ClinVar:

ClinVar aggregate classification (germline): Pathogenic (3 of 4 stars; one submission).

Conditions:
Hereditary antithrombin deficiency (AT3D). Also called: Antithrombin III deficiency; Thrombophilia due to antithrombin III deficiency; Reduced antithrombin III activity; Antithrombin deficiency. Identifiers: Orphanet 82, MedGen C0272375, MONDO:0013144, OMIM 613118, HP:0001976.

Submission:

Clingen Thrombosis Variant Curation Expert Panel, ClinGen
Classification: Pathogenic for Hereditary antithrombin deficiency. Last evaluated: 2024-01-25. Review status: reviewed by expert panel. Criteria: ClinGen ACMG Specifications SERPINC1 V1.0.0. Collection method: curation. Allele origin: germline. Inheritance: Autosomal dominant inheritance.
Comment: The NM_000488.4(SERPINC1):c.857A>C variant predicts a missense change at position 286, from Glutamine to Proline. The variant has been reported in at least 5 probands with AT deficiency along with multiple segregations in families in the literature (PMID: 28317092, 32862410). This missense variant is completely absent in gnomAD (v2.1.1 and v3.1.1). It has a REVEL score of 0.898 meeting the PP3 code. In summary, this variant meets criteria to be classified as pathogenic. ACMG/AMP criteria applied, as specified by the Thrombosis Variant Curation Expert Panel for SERPINC1: PP1_Strong, PS4, PP3, PP4, PM2_Supporting.

NM_000488.4(SERPINC1):c.857A>C (p.Gln286Pro)

Gene: SERPINC1 (serpin family C member 1; minus strand). Cytogenetic location: 1q25.1.
Variant type: single nucleotide variant.
Coding change: c.857A>C on transcript NM_000488.4 (MANE Select); coding-DNA position 857, A replaced by C.
Protein change: p.Gln286Pro; replaces glutamine 286 with proline.
Molecular consequence: missense variant.
Genome position (GRCh38, 1-based): chr1:173,909,848, T>G on the plus strand (A>C on the coding strand, the complement: SERPINC1 is on the minus strand). VCF-style: chr1-173909848-T-G. GRCh37 (hg19) VCF-style: chr1-173878986-T-G.
Other names: NM_001386306.1:c.641A>C; c.713A>C, p.Gln238Pro (NM_001365052.2); c.980A>C, p.Gln327Pro (NM_001386302.1); c.938A>C, p.Gln313Pro (NM_001386303.1); c.836A>C, p.Gln279Pro (NM_001386304.1); c.800A>C, p.Gln267Pro (NM_001386305.1); c.641A>C, p.Gln214Pro (NM_001386306.1); short protein forms Q214P, Q238P, Q267P, Q279P, Q286P, Q313P, Q327P.
Identifiers: ClinVar variation 3242375 (VCV003242375.1), dbSNP rs2526571722.
Genomic context (GRCh38, chr1:173,909,848, plus strand): 5'-AAGGGCAACTCAAGCACCTGGGTGCCTTCAGCCACGCGCCGATAACGGAACTTGCCTTCC[T>G]GGTACATCATAGATGCTGAACACGACTCTCCATCAGCCTTGTAGAACAGTTCCTTCCTTG-3'
Protein context (NP_000479.1, residues 276-296): GESCSASMMY[Gln286Pro]EGKFRYRRVA